The following is an entry in ClinVar:

ClinVar aggregate classification (germline): Benign/Likely benign. Review status: criteria provided, multiple submitters, no conflicts (2 of 4 stars). 3 submissions from 3 submitters: Benign (1); Likely benign (1). 1 of the submissions does not count toward it. Last evaluated 2025-10-13.

Conditions:
RAB11B-related disorder. Also called: RAB11B-related condition.

Allele frequency attached by ClinVar (database versions not stated): gnomAD 0.00006 and 0.00008; TOPMed 0.00007; gnomAD exomes 0.00009 and 0.00019; 1000 Genomes Project 30x 0.00016; ExAC 0.00017; 1000 Genomes Project 0.00020.
gnomAD v4.1: 157 of 1,611,908 alleles (0.0097%); highest among the groups gnomAD compares: East Asian, 0.26%; 3 homozygotes.

Submissions (3):

Labcorp Genetics (formerly Invitae), Labcorp
Classification: Benign. Last evaluated: 2025-10-13. Review status: criteria provided, single submitter. Criteria: Invitae Variant Classification Sherloc (09022015). Collection method: clinical testing. Allele origin: germline.

Blueprint Genetics
Classification: Likely benign. Last evaluated: 2024-11-13. Review status: criteria provided, single submitter. Criteria: ACMG Guidelines, 2015. Collection method: clinical testing. Allele origin: germline.

PreventionGenetics, part of Exact Sciences
Classification: Likely benign for RAB11B-related condition. Last evaluated: 2019-04-16. Review status: no assertion criteria provided. Collection method: clinical testing. Allele origin: germline. Not counted in ClinVar's aggregate classification.
Comment: This variant is classified as likely benign based on ACMG/AMP sequence variant interpretation guidelines (Richards et al. 2015 PMID: 25741868, with internal and published modifications).

NM_004218.4(RAB11B):c.41-6G>A

Gene: RAB11B (RAB11B, member RAS oncogene family; plus strand). Cytogenetic location: 19p13.2.
Variant type: single nucleotide variant.
Coding change: c.41-6G>A on transcript NM_004218.4 (MANE Select); 6 bases into the intron before coding-DNA position 41, G replaced by A.
Molecular consequence: intron variant.
Genome position (GRCh38, 1-based): chr19:8,399,857, G>A. VCF-style: chr19-8399857-G-A. GRCh37 (hg19) VCF-style: chr19-8464741-G-A.
Other names: c.41-6G>A (NM_004218.3).
Identifiers: ClinVar variation 1565379 (VCV001565379.11), dbSNP rs201361496, ClinGen allele CA9156279.
Genomic context (GRCh38, chr19:8,399,857, plus strand): 5'-GGGAAGGTTGTGGGGGCAGTCGTGGGTGGAGTGTGGGGATTCACAGAACCTCGCCTTCCC[G>A]CCCAGTGGTGCTCATCGGGGACTCAGGCGTGGGCAAGAGCAACCTGCTGTCGCGCTTCAC-3'